The following is an entry in ClinVar:

ClinVar aggregate classification (germline): Likely benign (1 of 4 stars; one submission).

Allele frequency attached by ClinVar (database versions not stated): ExAC 0.00020.

Submission:

CeGaT Center for Human Genetics Tuebingen
Classification: Likely benign. Last evaluated: 2023-12-01. Review status: criteria provided, single submitter. Criteria: CeGaT Center For Human Genetics Tuebingen Variant Classification Criteria Version 2. Collection method: clinical testing. Allele origin: germline. Affected: yes. Observed: 1 variant allele.
Comment: FLG2: BP4, BP7

NM_001014342.3(FLG2):c.5022T>C (p.His1674=)

Genes: CCDST (cervical cancer associated DHX9 suppressive transcript; plus strand), FLG2 (filaggrin 2; minus strand). Cytogenetic location: 1q21.3.
Variant type: single nucleotide variant.
Coding change: c.5022T>C on transcript NM_001014342.3 (MANE Select); coding-DNA position 5022, T replaced by C.
Protein change: p.His1674=; no amino-acid change (histidine 1674 retained).
Molecular consequence: synonymous variant.
Genome position (GRCh38, 1-based): chr1:152,352,764, A>G on the plus strand (T>C on the coding strand, the complement: FLG2 is on the minus strand). VCF-style: chr1-152352764-A-G. GRCh37 (hg19) VCF-style: chr1-152325240-A-G.
Identifiers: ClinVar variation 3025257 (VCV003025257.22), dbSNP rs768435002, ClinGen allele CA1108607.
Genomic context (GRCh38, chr1:152,352,764, plus strand): 5'-AGTTCCATGTCTCTCAGGAACTATGGATTCTGACTGTCCATGTTGAGATCCAGCTTGACC[A>G]TGAGTGTGTCCTGTATGTGTGTGTGAGACCCCTGAGTGCACTTCACTGTCACTGGACTCA-3'
Protein context (NP_001014364.1, residues 1664-1684): GVSHTHTGHT[His1674=]GQAGSQHGQS